The following is an entry in ClinVar:

NM_182961.4(SYNE1):c.17816_17820del (p.Asp5939fs)

Gene: SYNE1 (spectrin repeat containing nuclear envelope protein 1; minus strand). Cytogenetic location: 6q25.2.
Variant type: Deletion.
Coding change: c.17816_17820del on transcript NM_182961.4 (MANE Select); coding-DNA positions 17816 to 17820, 5 bases deleted (ATTTG; older notation c.17816_17820delATTTG).
Protein change: p.Asp5939fs; shifts the reading frame from aspartic acid 5939.
Molecular consequence: frameshift variant.
Genome position (GRCh38, 1-based): chr6:152,293,990-152,293,994, CAAAT deleted on the plus strand (ATTTG on the coding strand, the reverse complement: SYNE1 is on the minus strand); deleting any 5 consecutive bases within chr6:152,293,990-152,293,996 gives the same sequence; the c. name uses the placement nearest the transcript's 3' end. VCF-style (leftmost placement, unchanged base first): chr6-152293989-GCAAAT-G. GRCh37 (hg19) VCF-style: chr6-152615124-GCAAAT-G.
Other names: c.17603_17607del5 (NM_033071.3); c.17603_17607del, p.Asp5868fs (NM_033071.5); c.17603_17607delATTTG (NM_033071.3); short protein forms D5939fs, D5868fs.
Identifiers: ClinVar variation 199228 (VCV000199228.12), dbSNP rs794727986, ClinGen allele CA275455.

ClinVar aggregate classification (germline): Pathogenic. Review status: criteria provided, multiple submitters, no conflicts (2 of 4 stars). 6 submissions from 6 submitters: Pathogenic (5). 1 of the submissions does not count toward it. Last evaluated 2024-08-06.

Conditions:
SYNE1-related disorder. Also called: SYNE1-related disease; SYNE1-related condition; SYNE1-related disorders.
Inborn genetic diseases. Identifiers: MedGen C0950123, MeSH D030342.
Autosomal recessive ataxia, Beauce type. Also called: SYNE1-Related Autosomal Recessive Cerebellar Ataxia; ATAXIA, RECESSIVE, OF BEAUCE; Spinocerebellar ataxia, autosomal recessive 8; SYNE1 Deficiency. Identifiers: Orphanet 88644, MedGen C1853116, MONDO:0012549, OMIM 610743.
Emery-Dreifuss muscular dystrophy 4, autosomal dominant (EDMD4). Also called: EMERY-DREIFUSS MUSCULAR DYSTROPHY 4 WITH VARIABLE FEATURES. Identifiers: Orphanet 261, MedGen C2751807, MONDO:0013071, OMIM 612998.

Submissions (6):

Labcorp Genetics (formerly Invitae), Labcorp
Classification: Pathogenic for Emery-Dreifuss muscular dystrophy 4, autosomal dominant; Autosomal recessive ataxia, Beauce type. Last evaluated: 2024-08-06. Review status: criteria provided, single submitter. Criteria: Invitae Variant Classification Sherloc (09022015). Collection method: clinical testing. Allele origin: germline.
Comment: This sequence change creates a premature translational stop signal (p.Asp5868Alafs*13) in the SYNE1 gene. It is expected to result in an absent or disrupted protein product. Loss-of-function variants in SYNE1 are known to be pathogenic (PMID: 19542096, 24319099, 27086870). This variant is present in population databases (rs794727986, gnomAD 0.002%). This premature translational stop signal has been observed in individual(s) with clinical features of spinocerebellar ataxia (PMID: 17159980, 34816117). This variant is also known as 334338-334342delATTTG and c.17816_17820del (p.Asp5939Alafs*13). ClinVar contains an entry for this variant (Variation ID: 199228). For these reasons, this variant has been classified as Pathogenic.

Blueprint Genetics
Classification: Pathogenic for SYNE1-related disorders. Last evaluated: 2024-02-23. Review status: criteria provided, single submitter. Criteria: ACMG Guidelines, 2015. Collection method: clinical testing. Allele origin: germline. Affected: yes. Observed: 5 variant alleles.

PreventionGenetics, part of Exact Sciences
Classification: Pathogenic for SYNE1-related condition. Last evaluated: 2022-11-15. Review status: criteria provided, single submitter. Criteria: ACMG Guidelines, 2015. Collection method: clinical testing. Allele origin: germline.
Comment: The SYNE1 c.17603_17607del5 variant is predicted to result in a frameshift and premature protein termination (p.Asp5868Alafs*13). This variant has been reported in a family with cerebellar ataxia (Reported as 334338-334342delATTTG in Gros-Louis et al 2007. PubMed ID: 17159980). This variant is reported in 0.0023% of alleles in individuals of European (Non-Finnish) descent in gnomAD. Frameshift variants in SYNE1 are expected to be pathogenic. This variant is interpreted as pathogenic.

Ambry Genetics
Classification: Pathogenic for Inborn genetic diseases. Last evaluated: 2018-03-09. Review status: criteria provided, single submitter. Criteria: Ambry exome assertion method (8-5-2015). Collection method: clinical testing. Allele origin: germline. Affected: yes. Observed: 1 variant allele.

Eurofins Ntd Llc (ga)
Classification: Pathogenic. Last evaluated: 2016-02-02. Review status: criteria provided, single submitter. Criteria: EGL Classification Definitions 2015. Collection method: clinical testing. Allele origin: germline. Observed: 2 variant alleles, 2 heterozygotes.

OMIM
Classification: Pathogenic for SPINOCEREBELLAR ATAXIA, AUTOSOMAL RECESSIVE 8. Last evaluated: 2007-01-01. Review status: no assertion criteria provided. Collection method: literature only. Allele origin: germline. Not counted in ClinVar's aggregate classification.

Literature cited by the submitters: PubMed 19542096 (cited by Labcorp Genetics (formerly Invitae), Labcorp); PubMed 24319099 (cited by Labcorp Genetics (formerly Invitae), Labcorp); PubMed 27086870 (cited by Labcorp Genetics (formerly Invitae), Labcorp); PubMed 17159980 (cited by 3 submitters); PubMed 34816117 (cited by Labcorp Genetics (formerly Invitae), Labcorp).